The following is an entry in ClinVar:

NM_001194.4(HCN2):c.433G>C (p.Gly145Arg)

Gene: HCN2 (hyperpolarization activated cyclic nucleotide gated potassium and sodium channel 2; plus strand). Cytogenetic location: 19p13.3.
Variant type: single nucleotide variant.
Coding change: c.433G>C on transcript NM_001194.4 (MANE Select); coding-DNA position 433, G replaced by C.
Protein change: p.Gly145Arg; replaces glycine 145 with arginine.
Molecular consequence: missense variant.
Genome position (GRCh38, 1-based): chr19:590,378, G>C. VCF-style: chr19-590378-G-C. GRCh37 (hg19) VCF-style: chr19-590378-G-C.
Other names: short protein forms G145R.
Identifiers: ClinVar variation 392202 (VCV000392202.2), dbSNP rs755611826, ClinGen allele CA16608304.

ClinVar aggregate classification (germline): Uncertain significance (1 of 4 stars; one submission).

Allele frequency attached by ClinVar (database versions not stated): gnomAD exomes below 0.00001.
gnomAD v4.1: 6 of 1,201,436 alleles (0.0005%); highest among the groups gnomAD compares: Non-Finnish European, 0.00031%; no homozygotes.

Submission:

GeneDx
Classification: Uncertain significance. Last evaluated: 2018-08-30. Review status: criteria provided, single submitter. Criteria: GeneDx Variant Classification (06012015). Collection method: clinical testing. Allele origin: germline. Affected: yes.
Comment: The G145R variant in the HCN2 gene has not been reported previously as a pathogenic variant, nor as a benign variant, to our knowledge. Although the G145R variant was not observed in approximately 2600 individuals of European and African American ancestry in the NHLBI Exome Sequencing Project, the data was noted to have reduced depth of sequencing reads and therefore may be unreliable. The G145R variant is a non-conservative amino acid substitution, which is likely to impact secondary protein structure as these residues differ in polarity, charge, size and/or other properties. However, this substitution occurs at a position that is not conserved, and in silico analysis is inconsistent in its predictions as to whether or not the variant is damaging to the protein structure/function. Therefore, we interpret G145R as a variant of uncertain significance